The following is an entry in ClinVar:

ClinVar aggregate classification (germline): Likely benign. Review status: criteria provided, multiple submitters, no conflicts (2 of 4 stars). 2 submissions from 2 submitters: Likely benign (2). Last evaluated 2025-04-14.

Conditions:
Lymphoproliferative syndrome 1 (LPFS1). Identifiers: Orphanet 238505, Orphanet 538963, MedGen C3552634, MONDO:0013081, OMIM 613011.

Allele frequency attached by ClinVar (database versions not stated): gnomAD exomes below 0.00001 and 0.00001; ExAC 0.00001; ESP Exome Variant Server 0.00008.
gnomAD v4.1: 8 of 1,613,928 alleles (0.0005%); highest among the groups gnomAD compares: Non-Finnish European, 0.00059%; no homozygotes.

Submissions (2):

Labcorp Genetics (formerly Invitae), Labcorp
Classification: Likely benign for Lymphoproliferative syndrome 1. Last evaluated: 2025-04-14. Review status: criteria provided, single submitter. Criteria: Invitae Variant Classification Sherloc (09022015). Collection method: clinical testing. Allele origin: germline.

CeGaT Center for Human Genetics Tuebingen
Classification: Likely benign. Last evaluated: 2024-04-01. Review status: criteria provided, single submitter. Criteria: CeGaT Center For Human Genetics Tuebingen Variant Classification Criteria Version 2. Collection method: clinical testing. Allele origin: germline. Affected: yes. Observed: 1 variant allele.
Comment: ITK: BP4, BP7

NM_005546.4(ITK):c.1665C>T (p.Gly555=)

Gene: ITK (IL2 inducible T cell kinase; plus strand). Cytogenetic location: 5q33.3.
Variant type: single nucleotide variant.
Coding change: c.1665C>T on transcript NM_005546.4 (MANE Select); coding-DNA position 1665, C replaced by T.
Protein change: p.Gly555=; no amino-acid change (glycine 555 retained).
Molecular consequence: synonymous variant.
Genome position (GRCh38, 1-based): chr5:157,248,881, C>T. VCF-style: chr5-157248881-C-T. GRCh37 (hg19) VCF-style: chr5-156675891-C-T.
Identifiers: ClinVar variation 1057049 (VCV001057049.29), dbSNP rs374778457, ClinGen allele CA3533164.